The following is an entry in ClinVar:

ClinVar aggregate classification (germline): Pathogenic (1 of 4 stars; one submission).

Conditions:
Neuromuscular disease caused by qualitative or quantitative defects of dysferlin. Also called: Qualitative or quantitative defects of dysferlin; Dysferlinopathy. Identifiers: Orphanet 207073, MedGen C2931687, MONDO:0016145.

Submission:

Labcorp Genetics (formerly Invitae), Labcorp
Classification: Pathogenic for Neuromuscular disease caused by qualitative or quantitative defects of dysferlin. Last evaluated: 2023-03-28. Review status: criteria provided, single submitter. Criteria: Invitae Variant Classification Sherloc (09022015). Collection method: clinical testing. Allele origin: unknown.
Comment: A similar copy number variant has been observed in individual(s) with limb‚Äêgirdle muscular dystrophy (PMID: 34559919). This variant is a gross deletion of the genomic region encompassing exon(s) 3 of the DYSF gene. This deletion is out-of-frame, and is expected to create a premature termination codon and result in an absent or disrupted protein product. Loss-of-function variants in DYSF are known to be pathogenic (PMID: 17698709, 20301480). For these reasons, this variant has been classified as Pathogenic.

Literature cited by the submitters: PubMed 34559919; PubMed 17698709; PubMed 20301480.

NC_000002.11:g.(?_71708989)_(71709120_?)del

Gene: DYSF (dysferlin; plus strand). Cytogenetic location: 2p13.2.
Variant type: Deletion.
Identifiers: ClinVar variation 3247366 (VCV003247366.1).